The following is an entry in ClinVar:

ClinVar aggregate classification (germline): Uncertain significance (1 of 4 stars; one submission).

Conditions:
Inborn genetic diseases. Identifiers: MedGen C0950123, MeSH D030342.

gnomAD v4.1: 90 of 1,613,930 alleles (0.0056%); highest among the groups gnomAD compares: African/African-American, 0.099%; no homozygotes.

Submission:

Ambry Genetics
Classification: Uncertain significance for Inborn genetic diseases. Last evaluated: 2026-05-20. Review status: criteria provided, single submitter. Criteria: Ambry Variant Classification Scheme 2023. Collection method: clinical testing. Allele origin: germline.
Comment: The c.3209G>T (p.C1070F) alteration is located in exon 26 (coding exon 25) of the WRN gene. This alteration results from a G to T substitution at nucleotide position 3209, causing the cysteine (C) at amino acid position 1070 to be replaced by a phenylalanine (F). Based on data from gnomAD, the T allele has an overall frequency of 0.007% (19/282726) total alleles studied. The highest observed frequency was 0.068% (17/24956) of African alleles. Based on insufficient or conflicting evidence, the clinical significance of this alteration remains unclear.

NM_000553.6(WRN):c.3209G>T (p.Cys1070Phe)

Gene: WRN (WRN RecQ like helicase; plus strand). Cytogenetic location: 8p12.
Variant type: single nucleotide variant.
Coding change: c.3209G>T on transcript NM_000553.6 (MANE Select); coding-DNA position 3209, G replaced by T.
Protein change: p.Cys1070Phe; replaces cysteine 1070 with phenylalanine.
Molecular consequence: missense variant.
Genome position (GRCh38, 1-based): chr8:31,141,751, G>T. VCF-style: chr8-31141751-G-T. GRCh37 (hg19) VCF-style: chr8-30999267-G-T.
Other names: c.3209G>T (NM_000553.4); short protein forms C1070F.
Identifiers: ClinVar variation 3333258 (VCV003333258.2), dbSNP rs61761622.